The following is an entry in ClinVar:

NM_144997.7(FLCN):c.1313T>C (p.Ile438Thr)

Gene: FLCN (folliculin; minus strand). Cytogenetic location: 17p11.2.
Variant type: single nucleotide variant.
Coding change: c.1313T>C on transcript NM_144997.7 (MANE Select); coding-DNA position 1313, T replaced by C.
Protein change: p.Ile438Thr; replaces isoleucine 438 with threonine.
Molecular consequence: missense variant.
Genome position (GRCh38, 1-based): chr17:17,215,304, A>G on the plus strand (T>C on the coding strand, the complement: FLCN is on the minus strand). VCF-style: chr17-17215304-A-G. GRCh37 (hg19) VCF-style: chr17-17118618-A-G.
Other names: c.1367T>C, p.Ile456Thr (NM_001353229.2); c.1313T>C, p.Ile438Thr (NM_001353230.2, NM_001353231.2); short protein forms I438T, I456T.
Identifiers: ClinVar variation 3714080 (VCV003714080.2).

ClinVar aggregate classification (germline): Uncertain significance (1 of 4 stars; one submission).

Conditions:
Birt-Hogg-Dube syndrome. Also called: Birt Hogg Dubé syndrome. Identifiers: Orphanet 122, MedGen C0346010, MONDO:0800444.

Submission:

Labcorp Genetics (formerly Invitae), Labcorp
Classification: Uncertain significance for Birt-Hogg-Dube syndrome. Last evaluated: 2024-04-24. Review status: criteria provided, single submitter. Criteria: Invitae Variant Classification Sherloc (09022015). Collection method: clinical testing. Allele origin: germline.
Comment: This sequence change replaces isoleucine, which is neutral and non-polar, with threonine, which is neutral and polar, at codon 438 of the FLCN protein (p.Ile438Thr). This variant is not present in population databases (gnomAD no frequency). This variant has not been reported in the literature in individuals affected with FLCN-related conditions. Advanced modeling of protein sequence and biophysical properties (such as structural, functional, and spatial information, amino acid conservation, physicochemical variation, residue mobility, and thermodynamic stability) performed at Invitae indicates that this missense variant is not expected to disrupt FLCN protein function with a negative predictive value of 80%. In summary, the available evidence is currently insufficient to determine the role of this variant in disease. Therefore, it has been classified as a Variant of Uncertain Significance.